The following is an entry in ClinVar:

NM_000343.4(SLC5A1):c.208-8G>A

Gene: SLC5A1 (solute carrier family 5 member 1; plus strand). Cytogenetic location: 22q12.3.
Variant type: single nucleotide variant.
Coding change: c.208-8G>A on transcript NM_000343.4 (MANE Select); 8 bases into the intron before coding-DNA position 208, G replaced by A.
Molecular consequence: intron variant.
Genome position (GRCh38, 1-based): chr22:32,066,927, G>A. VCF-style: chr22-32066927-G-A. GRCh37 (hg19) VCF-style: chr22-32462914-G-A.
Other names: p.?; c.-174-8G>A (NM_001256314.2).
Identifiers: ClinVar variation 1566747 (VCV001566747.10), dbSNP rs199783226, ClinGen allele CA10197895.

ClinVar aggregate classification (germline): Likely benign. Review status: criteria provided, multiple submitters, no conflicts (2 of 4 stars). 3 submissions from 3 submitters: Likely benign (3). Last evaluated 2025-12-15.

Conditions:
Congenital glucose-galactose malabsorption (GGM). Also called: DIARRHEA 16; MONOSACCHARIDE MALABSORPTION. Identifiers: Orphanet 35710, MedGen C0268186, MONDO:0011731, OMIM 606824.

Allele frequency attached by ClinVar (database versions not stated): ESP Exome Variant Server 0.00008; gnomAD exomes 0.00012 and 0.00016; ExAC 0.00013; gnomAD 0.00016 and 0.00018; TOPMed 0.00020; 1000 Genomes Project 0.00060; 1000 Genomes Project 30x 0.00078.
gnomAD v4.1: 252 of 1,608,908 alleles (0.016%); highest among the groups gnomAD compares: African/African-American, 0.04%; no homozygotes.

Submissions (3):

Labcorp Genetics (formerly Invitae), Labcorp
Classification: Likely benign for Congenital glucose-galactose malabsorption. Last evaluated: 2025-12-15. Review status: criteria provided, single submitter. Criteria: Invitae Variant Classification Sherloc (09022015). Collection method: clinical testing. Allele origin: germline.

Mayo Clinic Laboratories, Mayo Clinic
Classification: Likely benign. Last evaluated: 2025-09-24. Review status: criteria provided, single submitter. Criteria: ACMG Guidelines, 2015. Collection method: clinical testing. Allele origin: germline. Observed: 1 variant allele.
Comment: BP7

Fulgent Genetics
Classification: Likely benign for Congenital glucose-galactose malabsorption. Last evaluated: 2021-12-22. Review status: criteria provided, single submitter. Criteria: ACMG Guidelines, 2015. Collection method: clinical testing. Allele origin: unknown.